The following is an entry in ClinVar:

NM_006231.4(POLE):c.3796-20G>A

Gene: POLE (DNA polymerase epsilon, catalytic subunit; minus strand). Cytogenetic location: 12q24.33.
Variant type: single nucleotide variant.
Coding change: c.3796-20G>A on transcript NM_006231.4 (MANE Select); 20 bases into the intron before coding-DNA position 3796, G replaced by A.
Molecular consequence: intron variant.
Genome position (GRCh38, 1-based): chr12:132,649,535, C>T on the plus strand (G>A on the coding strand, the complement: POLE is on the minus strand). VCF-style: chr12-132649535-C-T. GRCh37 (hg19) VCF-style: chr12-133226121-C-T.
Identifiers: ClinVar variation 386623 (VCV000386623.8), dbSNP rs1057522550, ClinGen allele CA16607144.

ClinVar aggregate classification (germline): Likely benign. Review status: criteria provided, multiple submitters, no conflicts (2 of 4 stars). 2 submissions from 2 submitters: Likely benign (2). Last evaluated 2025-09-16.

Allele frequency attached by ClinVar (database versions not stated): gnomAD exomes below 0.00001; TOPMed below 0.00001.
gnomAD v4.1: 1 of 1,610,428 alleles (0.000062%); highest among the groups gnomAD compares: Non-Finnish European, 0.000085%; no homozygotes.

Submissions (2):

Labcorp Genetics (formerly Invitae), Labcorp
Classification: Likely benign. Last evaluated: 2025-09-16. Review status: criteria provided, single submitter. Criteria: Invitae Variant Classification Sherloc (09022015). Collection method: clinical testing. Allele origin: germline.

GeneDx
Classification: Likely benign. Last evaluated: 2016-05-31. Review status: criteria provided, single submitter. Criteria: GeneDx Variant Classification (06012015). Collection method: clinical testing. Allele origin: germline. Affected: yes.
Comment: This variant is considered likely benign or benign based on one or more of the following criteria: it is a conservative change, it occurs at a poorly conserved position in the protein, it is predicted to be benign by multiple in silico algorithms, and/or has population frequency not consistent with disease.